The following is an entry in ClinVar:

ClinVar aggregate classification (germline): Conflicting classifications of pathogenicity. Review status: criteria provided, conflicting classifications (1 of 4 stars). 6 submissions from 6 submitters: Uncertain significance (1); Likely benign (4). 1 of the submissions does not count toward it. Last evaluated 2025-12-30.

Conditions:
Inborn genetic diseases. Identifiers: MedGen C0950123, MeSH D030342.
TUBGCP6-related disorder. Also called: TUBGCP6-related condition.

Allele frequency attached by ClinVar (database versions not stated): ESP Exome Variant Server 0.00071; TOPMed 0.00078; 1000 Genomes Project 0.00080; 1000 Genomes Project 30x 0.00109.
gnomAD v4.1: 264 of 1,577,694 alleles (0.017%); highest among the groups gnomAD compares: African/African-American, 0.25%; no homozygotes.

Submissions (6):

Labcorp Genetics (formerly Invitae), Labcorp
Classification: Likely benign. Last evaluated: 2025-12-30. Review status: criteria provided, single submitter. Criteria: Invitae Variant Classification Sherloc (09022015). Collection method: clinical testing. Allele origin: germline.

Women's Health and Genetics/Laboratory Corporation of America, LabCorp
Classification: Likely benign. Last evaluated: 2025-10-06. Review status: criteria provided, single submitter. Criteria: LabCorp Variant Classification Summary - May 2015. Collection method: clinical testing. Allele origin: germline.
Comment: Variant summary: TUBGCP6 c.4322C>T (p.Pro1441Leu) results in a non-conservative amino acid change in the encoded protein sequence. Algorithms developed to predict the effect of missense changes on protein structure and function are either unavailable or do not agree on the potential impact of this missense change. The variant allele was found at a frequency of 0.00022 in 184582 control chromosomes, predominantly at a frequency of 0.0025 within the African or African-American subpopulation in the gnomAD database. The observed variant frequency within African or African-American control individuals in the gnomAD database exceeds the estimated maximal expected allele frequency for disease-causing variants in TUBGCP6. To our knowledge, no occurrence of c.4322C>T in individuals affected with TUBGCP6-related conditions and no experimental evidence demonstrating its impact on protein function have been reported. ClinVar contains an entry for this variant (Variation ID: 862772). Based on the evidence outlined above, the variant was classified as likely benign.

Blueprint Genetics
Classification: Likely benign. Last evaluated: 2024-10-14. Review status: criteria provided, single submitter. Criteria: ACMG Guidelines, 2015. Collection method: clinical testing. Allele origin: germline.

Ambry Genetics
Classification: Likely benign for Inborn genetic diseases. Last evaluated: 2021-08-13. Review status: criteria provided, single submitter. Criteria: Ambry Variant Classification Scheme 2023. Collection method: clinical testing. Allele origin: germline.

GeneDx
Classification: Uncertain significance. Last evaluated: 2020-08-03. Review status: criteria provided, single submitter. Criteria: GeneDx Variant Classification Process June 2021. Collection method: clinical testing. Allele origin: germline. Affected: yes.
Comment: In silico analysis supports that this missense variant has a deleterious effect on protein structure/function; Has not been previously published as pathogenic or benign to our knowledge

PreventionGenetics, part of Exact Sciences
Classification: Likely benign for TUBGCP6-related condition. Last evaluated: 2023-01-06. Review status: no assertion criteria provided. Collection method: clinical testing. Allele origin: germline. Not counted in ClinVar's aggregate classification.
Comment: This variant is classified as likely benign based on ACMG/AMP sequence variant interpretation guidelines (Richards et al. 2015 PMID: 25741868, with internal and published modifications).

NM_020461.4(TUBGCP6):c.4322C>T (p.Pro1441Leu)

Gene: TUBGCP6 (tubulin gamma complex component 6; minus strand). Cytogenetic location: 22q13.33.
Variant type: single nucleotide variant.
Coding change: c.4322C>T on transcript NM_020461.4 (MANE Select); coding-DNA position 4322, C replaced by T.
Protein change: p.Pro1441Leu; replaces proline 1441 with leucine.
Molecular consequence: missense variant.
Genome position (GRCh38, 1-based): chr22:50,219,450, G>A on the plus strand (C>T on the coding strand, the complement: TUBGCP6 is on the minus strand). VCF-style: chr22-50219450-G-A. GRCh37 (hg19) VCF-style: chr22-50657879-G-A.
Other names: short protein forms P1441L.
Identifiers: ClinVar variation 862772 (VCV000862772.18), dbSNP rs201730639, ClinGen allele CA10307544.